The following is an entry in ClinVar:

NM_005585.5(SMAD6):c.1395_1404del (p.Ile466fs)

Gene: SMAD6 (SMAD family member 6; plus strand). Cytogenetic location: 15q22.31.
Variant type: Deletion.
Coding change: c.1395_1404del on transcript NM_005585.5 (MANE Select); coding-DNA positions 1395 to 1404, 10 bases deleted (CATCAGCTTC; older notation c.1395_1404delCATCAGCTTC).
Protein change: p.Ile466fs; shifts the reading frame from isoleucine 466.
Molecular consequence: frameshift variant. On other transcripts: non-coding transcript variant (1).
Genome position (GRCh38, 1-based): chr15:66,781,439-66,781,448, CATCAGCTTC deleted. VCF-style (leftmost placement, unchanged base first): chr15-66781438-GCATCAGCTTC-G. GRCh37 (hg19) VCF-style: chr15-67073776-GCATCAGCTTC-G.
Other names: short protein forms I466fs.
Identifiers: ClinVar variation 1285443 (VCV001285443.1), dbSNP rs2140682369, ClinGen allele CA2499223050.

ClinVar aggregate classification (germline): Uncertain significance (1 of 4 stars; one submission).

Conditions:
Aortic valve disease 2 (AOVD2). Identifiers: MedGen C3542024, MONDO:0013902, OMIM 614823.

Submission:

Institute of Human Genetics, University of Leipzig Medical Center
Classification: Uncertain significance for Aortic valve disease 2. Last evaluated: 2020-11-09. Review status: criteria provided, single submitter. Criteria: ACMG Guidelines, 2015. Collection method: clinical testing. Allele origin: unknown. Affected: yes.
Comment: Despite strong evidence for its pathogenicity, this variant has to be classified as of unknown significance, according to the ACMG-criteria (Richards et al., 2015)